The following is an entry in ClinVar:

NM_001145026.2(PTPRQ):c.254G>T (p.Arg85Met)

Gene: PTPRQ (protein tyrosine phosphatase receptor type Q; plus strand). Cytogenetic location: 12q21.31.
Variant type: single nucleotide variant.
Coding change: c.254G>T on transcript NM_001145026.2 (MANE Select); coding-DNA position 254, G replaced by T.
Protein change: p.Arg85Met; replaces arginine 85 with methionine.
Molecular consequence: missense variant.
Genome position (GRCh38, 1-based): chr12:80,445,581, G>T. VCF-style: chr12-80445581-G-T. GRCh37 (hg19) VCF-style: chr12-80839361-G-T.
Other names: short protein forms R85M.
Identifiers: ClinVar variation 3346980 (VCV003346980.1).

ClinVar aggregate classification (germline): Uncertain significance (0 of 4 stars; one submission).

Conditions:
PTPRQ-related disorder. Also called: PTPRQ-related condition.

gnomAD v4.1: 14 of 1,549,504 alleles (0.0009%); highest among the groups gnomAD compares: Middle Eastern, 0.017%; no homozygotes.

Submission:

PreventionGenetics, part of Exact Sciences
Classification: Uncertain significance for PTPRQ-related condition. Last evaluated: 2024-07-01. Review status: no assertion criteria provided. Collection method: clinical testing. Allele origin: germline.
Comment: The PTPRQ c.254G>T variant is predicted to result in the amino acid substitution p.Arg85Met. To our knowledge, this variant has not been reported in the literature. This variant is reported in 0.0066% of alleles in individuals of European (Finnish) descent in gnomAD. At this time, the clinical significance of this variant is uncertain due to the absence of conclusive functional and genetic evidence.